The following is an entry in ClinVar:

ClinVar aggregate classification (germline): Uncertain significance (1 of 4 stars; one submission).

Conditions:
ITSN2-related disorder. Also called: ITSN2-related condition.

Allele frequency attached by ClinVar (database versions not stated): ExAC 0.00001; gnomAD exomes 0.00001; gnomAD 0.00005; TOPMed 0.00006.
gnomAD v4.1: 18 of 1,612,896 alleles (0.0011%); highest among the groups gnomAD compares: African/African-American, 0.023%; no homozygotes.

Submission:

PreventionGenetics, part of Exact Sciences
Classification: Uncertain significance for ITSN2-related condition. Last evaluated: 2022-12-18. Review status: criteria provided, single submitter. Criteria: ACMG Guidelines, 2015. Collection method: clinical testing. Allele origin: germline.
Comment: The ITSN2 c.4937-1G>C variant is predicted to disrupt the AG splice acceptor site and interfere with normal splicing. To our knowledge, this variant has not been reported in the literature. This variant is reported in 0.012% of alleles in individuals of African descent in gnomAD. Loss-of-function has not been established as a disease mechanism for this gene, and therefore the clinical significance of this variant is currently uncertain due to the absence of conclusive functional and genetic evidence.

NM_006277.3(ITSN2):c.4937-1G>C

Gene: ITSN2 (intersectin 2; minus strand). Cytogenetic location: 2p23.3.
Variant type: single nucleotide variant.
Coding change: c.4937-1G>C on transcript NM_006277.3 (MANE Select); the canonical splice acceptor site of the intron before coding-DNA position 4937, G replaced by C.
Molecular consequence: splice acceptor variant.
Genome position (GRCh38, 1-based): chr2:24,203,784, C>G on the plus strand (G>C on the coding strand, the complement: ITSN2 is on the minus strand). VCF-style: chr2-24203784-C-G. GRCh37 (hg19) VCF-style: chr2-24426653-C-G.
Other names: c.4817-1G>C (NM_001348182.2); c.4856-1G>C (NM_019595.4); c.4895-1G>C (NM_001348181.2).
Identifiers: ClinVar variation 2634853 (VCV002634853.1), dbSNP rs745450832, ClinGen allele CA1550347.